The following is an entry in ClinVar:

NM_000138.5(FBN1):c.408C>G (p.Cys136Trp)

Gene: FBN1 (fibrillin 1; minus strand). Cytogenetic location: 15q21.1.
Variant type: single nucleotide variant.
Coding change: c.408C>G on transcript NM_000138.5 (MANE Select); coding-DNA position 408, C replaced by G.
Protein change: p.Cys136Trp; replaces cysteine 136 with tryptophan.
Molecular consequence: missense variant.
Genome position (GRCh38, 1-based): chr15:48,600,173, G>C on the plus strand (C>G on the coding strand, the complement: FBN1 is on the minus strand). VCF-style: chr15-48600173-G-C. GRCh37 (hg19) VCF-style: chr15-48892370-G-C.
Other names: short protein forms C136W.
Identifiers: ClinVar variation 520235 (VCV000520235.5), dbSNP rs1555405039, ClinGen allele CA392446504.

ClinVar aggregate classification (germline): Likely pathogenic (1 of 4 stars; one submission).

Conditions:
Familial thoracic aortic aneurysm and aortic dissection (TAAD). Also called: Thoracic aortic aneurysms and dissections. Identifiers: Orphanet 91387, MedGen C4707243, MONDO:0019625.

Submission:

Ambry Genetics
Classification: Likely pathogenic for Familial thoracic aortic aneurysm and aortic dissection. Last evaluated: 2023-02-14. Review status: criteria provided, single submitter. Criteria: Ambry Variant Classification Scheme 2023. Collection method: clinical testing. Allele origin: germline.
Comment: The p.C136W variant (also known as c.408C>G), located in coding exon 4 of the FBN1 gene, results from a C to G substitution at nucleotide position 408. The cysteine at codon 136 is replaced by tryptophan, an amino acid with highly dissimilar properties. Alterations affecting the same amino acid, p.C136S (c.406T>A), p.C136R (c.406T>C) and p.C136F(c.407G>T) have been reported in association with Marfan syndrome (Attanasio M et al, Clin. Genet. 2008 Jul; 74(1):39-46; Groth KA et al. Genet. Med., 2017 07;19:772-777). This variant was not reported in population-based cohorts in the Genome Aggregation Database (gnomAD) (Lek M et al. Nature, 2016 08;536:285-91). Based on internal structural assessment, this alteration eliminates a structurally critical disulfide in the structurally sensitive EGF-like domain #02. The majority of FBN1 mutations identified to date have involved the substitution or generation of cysteine residues within cbEGF domains (Vollbrandt T et al. J Biol Chem. 2004;279(31):32924-32931). This amino acid position is highly conserved in available vertebrate species. In addition, this alteration is predicted to be deleterious by in silico analysis. Based on the majority of available evidence to date, this variant is likely to be pathogenic.

Literature cited by the submitters: PubMed 18435798; PubMed 27906200.